The following is an entry in ClinVar:

NM_000465.4(BARD1):c.1608T>C (p.Asp536=)

Gene: BARD1 (BRCA1 associated RING domain 1; minus strand). Cytogenetic location: 2q35.
Variant type: single nucleotide variant.
Coding change: c.1608T>C on transcript NM_000465.4 (MANE Select); coding-DNA position 1608, T replaced by C.
Protein change: p.Asp536=; no amino-acid change (aspartic acid 536 retained).
Molecular consequence: synonymous variant. On other transcripts: intron variant (1), non-coding transcript variant (3).
Genome position (GRCh38, 1-based): chr2:214,752,516, A>G on the plus strand (T>C on the coding strand, the complement: BARD1 is on the minus strand). VCF-style: chr2-214752516-A-G. GRCh37 (hg19) VCF-style: chr2-215617240-A-G.
Other names: c.1551T>C, p.Asp517= (NM_001282543.2); c.365-22008T>C (NM_001282549.2); c.255T>C, p.Asp85= (NM_001282545.2); c.198T>C, p.Asp66= (NM_001282548.2).
Identifiers: ClinVar variation 509606 (VCV000509606.10), dbSNP rs1553616392, ClinGen allele CA431147876.
Genomic context (GRCh38, chr2:214,752,516, plus strand): 5'-GTGGCTAGCTGAGGATGATTCATTCTTCTCTGGTAGCAGCAATAGCGATTTCATACTTTC[A>G]TCATCTGTATAATCGACAGGCCGCAGACCAAATATATTACTGGTAAAATAAGTGCAGATG-3'
Protein context (NP_000456.2, residues 526-546): FGLRPVDYTD[Asp536=]ESMKSLLLLP

ClinVar aggregate classification (germline): Likely benign. Review status: criteria provided, multiple submitters, no conflicts (2 of 4 stars). 2 submissions from 2 submitters: Likely benign (2). Last evaluated 2020-07-12.

Conditions:
Familial cancer of breast. Also called: hereditary breast carcinoma; BREAST CANCER, FAMILIAL; Hereditary breast cancer. Identifiers: Orphanet 227535, MedGen C0346153, MONDO:0016419, OMIM 114480. Disease mechanism: loss of function.

Allele frequency attached by ClinVar (database versions not stated): gnomAD exomes below 0.00001.
gnomAD v4.1: 1 of 1,613,812 alleles (0.000062%); highest among the groups gnomAD compares: Non-Finnish European, 0.000085%; no homozygotes.

Submissions (2):

Labcorp Genetics (formerly Invitae), Labcorp
Classification: Likely benign for Familial cancer of breast. Last evaluated: 2020-07-12. Review status: criteria provided, single submitter. Criteria: Invitae Variant Classification Sherloc (09022015). Collection method: clinical testing. Allele origin: germline.

GeneDx
Classification: Likely benign. Last evaluated: 2017-05-18. Review status: criteria provided, single submitter. Criteria: GeneDx Variant Classification (06012015). Collection method: clinical testing. Allele origin: germline. Affected: yes.
Comment: This variant is considered likely benign or benign based on one or more of the following criteria: it is a conservative change, it occurs at a poorly conserved position in the protein, it is predicted to be benign by multiple in silico algorithms, and/or has population frequency not consistent with disease.